The following is an entry in ClinVar:

NM_003900.5(SQSTM1):c.137G>C (p.Arg46Pro)

Genes: SQSTM1 (sequestosome 1; plus strand), LOC129995449 (ATAC-STARR-seq lymphoblastoid silent region 16749; plus strand). Cytogenetic location: 5q35.3.
Variant type: single nucleotide variant.
Coding change: c.137G>C on transcript NM_003900.5 (MANE Select); coding-DNA position 137, G replaced by C.
Protein change: p.Arg46Pro; replaces arginine 46 with proline.
Molecular consequence: missense variant. On other transcripts: intron variant (2).
Genome position (GRCh38, 1-based): chr5:179,821,073, G>C. VCF-style: chr5-179821073-G-C. GRCh37 (hg19) VCF-style: chr5-179248073-G-C.
Other names: c.-47-1885G>C (NM_001142298.2, NM_001142299.2); short protein forms R46P.
Identifiers: ClinVar variation 2946469 (VCV002946469.3), dbSNP rs1320111508, ClinGen allele CA362442438.

ClinVar aggregate classification (germline): Uncertain significance (1 of 4 stars; one submission).

Conditions:
Frontotemporal dementia and/or amyotrophic lateral sclerosis 1 (FTDALS1). Also called: Frontotemporal dementia with motor neuron disease 1; C9orf72 Frontotemporal Dementia and/or Amyotrophic Lateral Sclerosis. Identifiers: Orphanet 275872, MedGen C5779877, MONDO:0007105, OMIM 105550.
Paget disease of bone 2, early-onset (PDB2). Also called: Paget disease of bone 2. Identifiers: MedGen C4085251, MONDO:0011183, OMIM 602080.

Submission:

Labcorp Genetics (formerly Invitae), Labcorp
Classification: Uncertain significance for Paget disease of bone 2, early-onset; Frontotemporal dementia and/or amyotrophic lateral sclerosis 1. Last evaluated: 2023-04-09. Review status: criteria provided, single submitter. Criteria: Invitae Variant Classification Sherloc (09022015). Collection method: clinical testing. Allele origin: germline.
Comment: This sequence change replaces arginine, which is basic and polar, with proline, which is neutral and non-polar, at codon 46 of the SQSTM1 protein (p.Arg46Pro). This variant is not present in population databases (gnomAD no frequency). This variant has not been reported in the literature in individuals affected with SQSTM1-related conditions. Advanced modeling of protein sequence and biophysical properties (such as structural, functional, and spatial information, amino acid conservation, physicochemical variation, residue mobility, and thermodynamic stability) performed at Invitae indicates that this missense variant is not expected to disrupt SQSTM1 protein function. In summary, the available evidence is currently insufficient to determine the role of this variant in disease. Therefore, it has been classified as a Variant of Uncertain Significance.